The following is an entry in ClinVar:

NM_000062.3(SERPING1):c.551-500C>G

Gene: SERPING1 (serpin family G member 1; plus strand). Cytogenetic location: 11q12.1.
Variant type: single nucleotide variant.
Coding change: c.551-500C>G on transcript NM_000062.3 (MANE Select); 500 bases into the intron before coding-DNA position 551, C replaced by G.
Molecular consequence: intron variant.
Genome position (GRCh38, 1-based): chr11:57,601,535, C>G. VCF-style: chr11-57601535-C-G. GRCh37 (hg19) VCF-style: chr11-57369008-C-G.
Other names: c.551-500C>G (NM_001032295.2).
Identifiers: ClinVar variation 983240 (VCV000983240.3), dbSNP rs28362947, ClinGen allele CA13383177.
Genomic context (GRCh38, chr11:57,601,535, plus strand): 5'-AGGGATTACTGTCAAGTCCCATTTGGTAATTACCCTAGGAATGGCACAAACAAATTACTA[C>G]AAGCAGTGGGGACAGAGCTATTACTCCCCAGAGAGAATTCTAAAAAGGCTACAGAATCTT-3'

ClinVar aggregate classification (germline): Benign. Review status: criteria provided, multiple submitters, no conflicts (2 of 4 stars). 2 submissions from 2 submitters: Benign (2).

Conditions:
Hereditary angioedema type 1 (HAE1). Identifiers: Orphanet 100050, Orphanet 100051, Orphanet 91378, MedGen C2717906, MONDO:0015053, OMIM 106100.

Allele frequency attached by ClinVar (database versions not stated): 1000 Genomes Project 0.14756; 1000 Genomes Project 30x 0.14975; TOPMed 0.19472; gnomAD 0.20749 and 0.20877.
gnomAD v4.1: 31,568 of 151,794 alleles (21%); highest among the groups gnomAD compares: Non-Finnish European, 27%; 3,699 homozygotes.

Submissions (2):

Breakthrough Genomics
Classification: Benign. Review status: criteria provided, single submitter. Criteria: ACMG Guidelines, 2015. Collection method: not provided. Allele origin: germline. Inheritance: Autosomal recessive inheritance. Affected: yes.

CeMIA
Classification: Benign for Hereditary angioedema type 1. Review status: criteria provided, single submitter. Criteria: ACMG Guidelines, 2015. Collection method: clinical testing. Allele origin: germline. Affected: yes.
Comment: This variant is considered likely benign or benign based on one or more of the following criteria: allele frequency is >5% in Exome Sequencing Project, 1000 Genomes Project, or Exome Aggregation Consortium (BA1), allele frequency is greater than expected for disorder (BS1), it is observed in a healthy adult individual (BS2), it is predicted to be benign by multiple in silico algorithms (BP4), it is found in a case with an alternate molecular basis for the disease (BP5) and/or reputable source recently reports variant as benign (BP6).

Literature cited by the submitters: PubMed 31959500 (cited by CeMIA).